The following is an entry in ClinVar:

NM_006231.4(POLE):c.5812-19G>A

Gene: POLE (DNA polymerase epsilon, catalytic subunit; minus strand). Cytogenetic location: 12q24.33.
Variant type: single nucleotide variant.
Coding change: c.5812-19G>A on transcript NM_006231.4 (MANE Select); 19 bases into the intron before coding-DNA position 5812, G replaced by A.
Molecular consequence: intron variant.
Genome position (GRCh38, 1-based): chr12:132,634,397, C>T on the plus strand (G>A on the coding strand, the complement: POLE is on the minus strand). VCF-style: chr12-132634397-C-T. GRCh37 (hg19) VCF-style: chr12-133210983-C-T.
Identifiers: ClinVar variation 391595 (VCV000391595.9), dbSNP rs1057524156, ClinGen allele CA16606413.

ClinVar aggregate classification (germline): Likely benign. Review status: criteria provided, multiple submitters, no conflicts (2 of 4 stars). 3 submissions from 3 submitters: Likely benign (3). Last evaluated 2025-11-26.

Allele frequency attached by ClinVar (database versions not stated): gnomAD exomes below 0.00001; gnomAD 0.00001; TOPMed 0.00001.
gnomAD v4.1: 5 of 1,607,536 alleles (0.00031%); highest among the groups gnomAD compares: African/African-American, 0.0013%; no homozygotes.

Submissions (3):

Labcorp Genetics (formerly Invitae), Labcorp
Classification: Likely benign. Last evaluated: 2025-11-26. Review status: criteria provided, single submitter. Criteria: Invitae Variant Classification Sherloc (09022015). Collection method: clinical testing. Allele origin: germline.

Blueprint Genetics
Classification: Likely benign. Last evaluated: 2022-11-22. Review status: criteria provided, single submitter. Criteria: ACMG Guidelines, 2015. Collection method: clinical testing. Allele origin: germline.

GeneDx
Classification: Likely benign. Last evaluated: 2016-12-05. Review status: criteria provided, single submitter. Criteria: GeneDx Variant Classification (06012015). Collection method: clinical testing. Allele origin: germline. Affected: yes.
Comment: This variant is considered likely benign or benign based on one or more of the following criteria: it is a conservative change, it occurs at a poorly conserved position in the protein, it is predicted to be benign by multiple in silico algorithms, and/or has population frequency not consistent with disease.